The following is an entry in ClinVar:

ClinVar aggregate classification (germline): Uncertain significance (1 of 4 stars; one submission).

Conditions:
Hereditary cancer-predisposing syndrome. Also called: Neoplastic Syndromes, Hereditary; Tumor predisposition; Hereditary neoplastic syndrome; Hereditary Cancer Syndrome. Identifiers: Orphanet 140162, MedGen C0027672, MeSH D009386, MONDO:0015356.

Submission:

Ambry Genetics
Classification: Uncertain significance for Hereditary cancer-predisposing syndrome. Last evaluated: 2024-04-06. Review status: criteria provided, single submitter. Criteria: Ambry Variant Classification Scheme 2023. Collection method: clinical testing. Allele origin: germline.
Comment: The p.Q1280E variant (also known as c.3838C>G), located in coding exon 31 of the TSC2 gene, results from a C to G substitution at nucleotide position 3838. The glutamine at codon 1280 is replaced by glutamic acid, an amino acid with highly similar properties. This amino acid position is conserved. In addition, the in silico prediction for this alteration is inconclusive. Based on the available evidence, the clinical significance of this variant remains unclear.

NM_000548.5(TSC2):c.3838C>G (p.Gln1280Glu)

Gene: TSC2 (TSC complex subunit 2; plus strand). Cytogenetic location: 16p13.3.
Variant type: single nucleotide variant.
Coding change: c.3838C>G on transcript NM_000548.5 (MANE Select); coding-DNA position 3838, C replaced by G.
Protein change: p.Gln1280Glu; replaces glutamine 1280 with glutamic acid.
Molecular consequence: missense variant. On other transcripts: intron variant (33), non-coding transcript variant (1).
Genome position (GRCh38, 1-based): chr16:2,082,459, C>G. VCF-style: chr16-2082459-C-G. GRCh37 (hg19) VCF-style: chr16-2132460-C-G.
Other names: c.3106C>G, p.Gln1036Glu (NM_001318831.2); c.3706C>G, p.Gln1236Glu (NM_001370404.1, NM_001406665.1); c.3709C>G, p.Gln1237Glu (NM_001370405.1, NM_021055.3); c.3835C>G, p.Gln1279Glu (NM_001406663.1); c.3715+661C>G (NM_001318832.2); c.2338+661C>G (NM_001406697.1, NM_001406695.1, NM_001406696.1); c.2080+661C>G (NM_001406698.1); c.3814+661C>G (NM_001114382.3); and 25 more; short protein forms Q1237E, Q1279E, Q1280E, Q788E, Q789E, Q1080E, Q1036E, Q1236E.
Identifiers: ClinVar variation 3329473 (VCV003329473.1).